The following is an entry in ClinVar:

NM_000256.3(MYBPC3):c.428A>G (p.Asn143Ser)

Gene: MYBPC3 (myosin binding protein C3; minus strand). Cytogenetic location: 11p11.2.
Variant type: single nucleotide variant.
Coding change: c.428A>G on transcript NM_000256.3 (MANE Select); coding-DNA position 428, A replaced by G.
Protein change: p.Asn143Ser; replaces asparagine 143 with serine.
Molecular consequence: missense variant.
Genome position (GRCh38, 1-based): chr11:47,350,091, T>C on the plus strand (A>G on the coding strand, the complement: MYBPC3 is on the minus strand). VCF-style: chr11-47350091-T-C. GRCh37 (hg19) VCF-style: chr11-47371642-T-C.
Other names: p.N143S:AAT>AGT; c.428A>G, p.Asn143Ser (LRG_386t1); short protein forms N143S.
Identifiers: ClinVar variation 181139 (VCV000181139.4), dbSNP rs730880705, ClinGen allele CA015067.
Genomic context (GRCh38, chr11:47,350,091, plus strand): 5'-TCCTGTGGCCGCATCACGAAGAGGCCAATGGGGTCATCGGGGGCTCCAGGGGTAGGACCA[T>C]TGAGAGCTGCTGAGCTTGACCCTGTGAGCAAAGGCTTTTTCTGTTTGTTTGAGATGGAGT-3'
Protein context (NP_000247.2, residues 133-153): SPKGSSSAAL[Asn143Ser]GPTPGAPDDP

ClinVar aggregate classification (germline): Conflicting classifications of pathogenicity. Review status: criteria provided, conflicting classifications (1 of 4 stars). 2 submissions from 2 submitters: Uncertain significance (1); Likely benign (1). Last evaluated 2024-02-07.

Conditions:
Cardiovascular phenotype. Identifiers: MedGen CN230736.

Allele frequency attached by ClinVar (database versions not stated): gnomAD exomes 0.00001.
gnomAD v4.1: 10 of 1,557,932 alleles (0.00064%); highest among the groups gnomAD compares: Non-Finnish European, 0.00087%; no homozygotes.

Submissions (2):

Ambry Genetics
Classification: Likely benign for Cardiovascular phenotype. Last evaluated: 2024-02-07. Review status: criteria provided, single submitter. Criteria: Ambry Variant Classification Scheme 2023. Collection method: clinical testing. Allele origin: germline.

GeneDx
Classification: Uncertain significance. Last evaluated: 2023-11-30. Review status: criteria provided, single submitter. Criteria: GeneDx Variant Classification Process June 2021. Collection method: clinical testing. Allele origin: germline. Affected: yes.
Comment: Has not been previously published as pathogenic or benign to our knowledge; Not observed at significant frequency in large population cohorts (gnomAD); In silico analysis supports that this missense variant does not alter protein structure/function